The following is an entry in ClinVar:

NM_016065.4(MRPS16):c.404C>G (p.Thr135Arg)

Genes: DNAJC9-AS1 (DNAJC9 and MRPS16 antisense RNA 1; plus strand), MRPS16 (mitochondrial ribosomal protein S16; minus strand). Cytogenetic location: 10q22.2.
Variant type: single nucleotide variant.
Coding change: c.404C>G on transcript NM_016065.4 (MANE Select); coding-DNA position 404, C replaced by G.
Protein change: p.Thr135Arg; replaces threonine 135 with arginine.
Molecular consequence: missense variant. On other transcripts: intron variant (1).
Genome position (GRCh38, 1-based): chr10:73,250,862, G>C on the plus strand (C>G on the coding strand, the complement: MRPS16 is on the minus strand). VCF-style: chr10-73250862-G-C. GRCh37 (hg19) VCF-style: chr10-75010620-G-C.
Other names: c.274+901C>G (NM_001410935.1); short protein forms T135R.
Identifiers: ClinVar variation 3650711 (VCV003650711.2).
Genomic context (GRCh38, chr10:73,250,862, plus strand): 5'-AAAGGACCTTGACCTTGTTCCCACTGCTATGCTCACTAAAGTCAGCTCATTTATGTTTCT[G>C]TAGCCTCTGTATCTGTAGCTTCTGCATCTGTTTTCTGAGAAGCTAACAGGACTTCACGTG-3'
Protein context (NP_057149.1, residues 125-137): TDAEATDTEA[Thr135Arg]ET

ClinVar aggregate classification (germline): Uncertain significance (1 of 4 stars; one submission).

Submission:

Labcorp Genetics (formerly Invitae), Labcorp
Classification: Uncertain significance. Last evaluated: 2024-04-24. Review status: criteria provided, single submitter. Criteria: Invitae Variant Classification Sherloc (09022015). Collection method: clinical testing. Allele origin: germline.
Comment: This sequence change replaces threonine, which is neutral and polar, with arginine, which is basic and polar, at codon 135 of the MRPS16 protein (p.Thr135Arg). This variant is not present in population databases (gnomAD no frequency). This variant has not been reported in the literature in individuals affected with MRPS16-related conditions. Experimental studies and prediction algorithms are not available or were not evaluated, and the functional significance of this variant is currently unknown. In summary, the available evidence is currently insufficient to determine the role of this variant in disease. Therefore, it has been classified as a Variant of Uncertain Significance.